The following is an entry in ClinVar:

ClinVar aggregate classification (germline): Likely benign (1 of 4 stars; one submission).

Submission:

GeneDx
Classification: Likely benign. Last evaluated: 2016-04-04. Review status: criteria provided, single submitter. Criteria: GeneDx Variant Classification (06012015). Collection method: clinical testing. Allele origin: germline. Affected: yes.
Comment: This variant is considered likely benign or benign based on one or more of the following criteria: it is a conservative change, it occurs at a poorly conserved position in the protein, it is predicted to be benign by multiple in silico algorithms, and/or has population frequency not consistent with disease.

NM_002637.4(PHKA1):c.1938T>C (p.Asn646=)

Gene: PHKA1 (phosphorylase kinase regulatory subunit alpha 1; minus strand). Cytogenetic location: Xq13.1.
Variant type: single nucleotide variant.
Coding change: c.1938T>C on transcript NM_002637.4 (MANE Select); coding-DNA position 1938, T replaced by C.
Protein change: p.Asn646=; no amino-acid change (asparagine 646 retained).
Molecular consequence: synonymous variant.
Genome position (GRCh38, 1-based): chrX:72,623,131, A>G on the plus strand (T>C on the coding strand, the complement: PHKA1 is on the minus strand). VCF-style: chrX-72623131-A-G. GRCh37 (hg19) VCF-style: chrX-71842981-A-G.
Other names: c.1938T>C, p.Asn646= (NM_001122670.2, NM_001172436.2).
Identifiers: ClinVar variation 385161 (VCV000385161.1), dbSNP rs1057522138, ClinGen allele CA16608581.